The following is an entry in ClinVar:

NM_000277.3(PAH):c.421G>T (p.Glu141Ter)

Gene: PAH (phenylalanine hydroxylase; minus strand). Cytogenetic location: 12q23.2.
Variant type: single nucleotide variant.
Coding change: c.421G>T on transcript NM_000277.3 (MANE Select); coding-DNA position 421, G replaced by T.
Protein change: p.Glu141Ter; replaces glutamic acid 141 with a stop codon.
Molecular consequence: nonsense.
Genome position (GRCh38, 1-based): chr12:102,877,482, C>A on the plus strand (G>T on the coding strand, the complement: PAH is on the minus strand). VCF-style: chr12-102877482-C-A. GRCh37 (hg19) VCF-style: chr12-103271260-C-A.
Other names: c.421G>T, p.Glu141Ter (NM_001354304.2); short protein forms E141*.
Identifiers: ClinVar variation 5013018 (VCV005013018.1).

ClinVar aggregate classification (germline): Pathogenic (1 of 4 stars; one submission).

Conditions:
Phenylketonuria (PKU). Also called: FOLLING DISEASE; OLIGOPHRENIA PHENYLPYRUVICA; Phenylketonurias; Phenylketonuria (PKU). Identifiers: Orphanet 716, MedGen C0031485, MONDO:0009861, OMIM 261600. Disease mechanism: loss of function.

gnomAD v4.1: 3 of 1,613,948 alleles (0.00019%); highest among the groups gnomAD compares: South Asian, 0.0033%; no homozygotes.

Submission:

Myriad Genetics, Inc.
Classification: Pathogenic for Phenylketonuria. Last evaluated: 2025-11-26. Review status: criteria provided, single submitter. Criteria: Myriad Autosomal Dominant, Autosomal Recessive and X-Linked Classification Criteria (2023). Collection method: clinical testing. Allele origin: unknown.
Comment: NM_000277.1(PAH):c.421G>T(E141*) is expected to be pathogenic in the context of phenylalanine hydroxylase deficiency. This variant is predicted to lead to an abnormal or absent protein product due to the creation of a premature termination codon in PAH, a gene where loss-of-function variants are known to be pathogenic. Please note: this variant was assessed in the context of healthy population screening.